The following is an entry in ClinVar:

ClinVar aggregate classification (germline): Pathogenic/Likely pathogenic. Review status: criteria provided, multiple submitters, no conflicts (2 of 4 stars). 11 submissions from 10 submitters: Pathogenic (6); Likely pathogenic (3). 2 of the submissions do not count toward it. Last evaluated 2026-01-11.

Conditions:
Hereditary spherocytosis type 4. Also called: SLC4A1-Related Spherocytosis. Identifiers: Orphanet 822, MedGen C2675212, MONDO:0012981, OMIM 612653.
Cryohydrocytosis. Also called: CRYOHYDROCYTOSIS DUE TO BAND 3 HEMEL; CRYOHYDROCYTOSIS DUE TO BAND 3 HURSTPIERPOINT; CRYOHYDROCYTOSIS DUE TO BAND 3 BLACKBURN; STOMATOCYTOSIS, COLD-SENSITIVE; Hereditary cryohydrocytosis with normal stomatin. Identifiers: Orphanet 398088, MedGen C1861453, MONDO:0008494, OMIM 185020.
Autosomal dominant distal renal tubular acidosis (DRTA1). Also called: RENAL TUBULAR ACIDOSIS, DISTAL, 1; RTA, CLASSIC TYPE; RTA, DISTAL TYPE, AUTOSOMAL DOMINANT; RTA, GRADIENT TYPE; Renal Tubular Acidosis, Type I. Identifiers: Orphanet 93608, MedGen CN280572, MONDO:0008368, OMIM 179800.
Renal tubular acidosis, distal, 4, with hemolytic anemia. Also called: Renal Tubular Acidosis, Distal, with Hemolytic Anemia. Identifiers: Orphanet 93610, MedGen C5436235, MONDO:0012700, OMIM 611590.
BLOOD GROUP--SWANN SYSTEM (SW). Also called: SWANN BLOOD GROUP. Identifiers: MedGen C1832169, OMIM 601550.
BLOOD GROUP, WALDNER (WD). Also called: WALDNER BLOOD GROUP ANTIGEN. Identifiers: MedGen C1862191, OMIM 112010.
BLOOD GROUP--FROESE (FR). Also called: FROESE BLOOD GROUP ANTIGEN. Identifiers: MedGen C1832168, OMIM 601551.
Southeast Asian ovalocytosis. Also called: HE, STOMATOCYTIC; Stomatocytic elliptocytosis, hereditary; Ovalocytosis, Malaysian-Melanesian-Filipino type; Elliptocytosis 4. Identifiers: Orphanet 98868, MedGen C1862322, MONDO:0008165, OMIM 166900.
Malaria, susceptibility to. Identifiers: Orphanet 673, MedGen C1970028, MONDO:0021024, OMIM 611162.
BLOOD GROUP--WRIGHT ANTIGEN (WR). Identifiers: MedGen C1862190, OMIM 112050.
BLOOD GROUP--DIEGO SYSTEM (DI). Identifiers: MedGen C1292286, OMIM 110500.
Inborn genetic diseases. Identifiers: MedGen C0950123, MeSH D030342.

Allele frequency attached by ClinVar (database versions not stated): gnomAD 0.00001; gnomAD exomes below 0.00001.

Submissions (11):

Labcorp Genetics (formerly Invitae), Labcorp
Classification: Pathogenic. Last evaluated: 2026-01-11. Review status: criteria provided, single submitter. Criteria: Invitae Variant Classification Sherloc (09022015). Collection method: clinical testing. Allele origin: germline.
Comment: This sequence change replaces valine, which is neutral and non-polar, with methionine, which is neutral and non-polar, at codon 488 of the SLC4A1 protein (p.Val488Met). The frequency data for this variant in the population databases is considered unreliable, as metrics indicate poor data quality at this position in the gnomAD database. This missense change has been observed in individual(s) with hereditary spherocytosis (PMID: 9207478, 10942416). It has also been observed to segregate with disease in related individuals. This variant is also known as allele Coimbra. ClinVar contains an entry for this variant (Variation ID: 17773). Invitae Evidence Modeling of protein sequence and biophysical properties (such as structural, functional, and spatial information, amino acid conservation, physicochemical variation, residue mobility, and thermodynamic stability) indicates that this missense variant is expected to disrupt SLC4A1 protein function with a positive predictive value of 80%. Experimental studies have shown that this missense change affects SLC4A1 function (PMID: 17215882). For these reasons, this variant has been classified as Pathogenic.

Ambry Genetics
Classification: Pathogenic for Inborn genetic diseases. Last evaluated: 2025-11-19. Review status: criteria provided, single submitter. Criteria: Ambry Variant Classification Scheme 2023. Collection method: clinical testing. Allele origin: germline.
Comment: The c.1462G>A (p.V488M) alteration is located in exon 13 (coding exon 12) of the SLC4A1 gene. This alteration results from a G to A substitution at nucleotide position 1462, causing the valine (V) at amino acid position 488 to be replaced by a methionine (M). for autosomal dominant SLC4A1-related spherocytosis and autosomal recessive SLC4A1-related distal renal tubular acidosis; however, its clinical significance for autosomal dominant SLC4A1-related distal renal tubular acidosis is uncertain. Based on data from gnomAD, the A allele has an overall frequency of <0.001% (1/251370) total alleles studied. The highest observed frequency was 0.001% (1/113714) of European (non-Finnish) alleles. This variant was reported in individuals with features consistent with autosomal dominant SLC4A1-related spherocytosis (Thompson, 2018; Andolfo, 2021; Alloisio, 1997; Tole, 2020; Fermo, 2021). This variant has also been identified in the homozygous state in individual(s) who met clinical criteria for autosomal recessive SLC4A1-related distal renal tubular acidosis (Ribeiro, 2000). This amino acid position is highly conserved in available vertebrate species. In an assay testing SLC4A1 function, this variant showed a functionally abnormal result (Cordat, 2006). This alteration is predicted to be deleterious by in silico analysis. Based on the available evidence, this alteration is classified as pathogenic.

Center for Genomic Medicine, Rigshospitalet, Copenhagen University Hospital
Classification: Pathogenic. Last evaluated: 2025-03-04. Review status: criteria provided, single submitter. Criteria: ACMG Guidelines, 2015. Collection method: clinical testing. Allele origin: germline.

Revvity Omics, Revvity
Classification: Likely pathogenic. Last evaluated: 2024-07-04. Review status: criteria provided, single submitter. Criteria: ACMG Guidelines, 2015. Collection method: clinical testing. Allele origin: germline.

Johns Hopkins Genomics, Johns Hopkins University
Classification: Likely pathogenic for Hereditary spherocytosis type 4. Last evaluated: 2024-06-24. Review status: criteria provided, single submitter. Criteria: ACMG Guidelines, 2015. Collection method: clinical testing. Allele origin: germline.
Comment: This SLC4A1 missense variant is also known as band 3 Coimbra. It has been reported in the heterozygous state in individuals and families with spherocytosis and usually compensated anemia and in the compound heterozygous state in siblings with more pronounced spherocytosis and constantly uncompensated anemia. Additionally, functional studies support that this variant impacts protein function. c.1462G>A (rs28931584) is rare (<0.1%) in a large population dataset (gnomAD v4.1.0: 2/1613948 total alleles; 0.0001%; no homozygotes), and has been reported in ClinVar (Variation ID 17773). We consider c.1462G>A in SLC4A1 to be likely pathogenic.

Mayo Clinic Laboratories, Mayo Clinic
Classification: Pathogenic. Last evaluated: 2023-11-10. Review status: criteria provided, single submitter. Criteria: ACMG Guidelines, 2015. Collection method: clinical testing. Allele origin: germline. Observed: 1 variant allele.
Comment: PP1_strong, PM1, PM2_moderate, PM3_supporting, PS4_moderate

Fulgent Genetics
Classification: Likely pathogenic for BLOOD GROUP--DIEGO SYSTEM; BLOOD GROUP, WALDNER; BLOOD GROUP--WRIGHT ANTIGEN; Southeast Asian ovalocytosis; Autosomal dominant distal renal tubular acidosis; Cryohydrocytosis; BLOOD GROUP--SWANN SYSTEM; BLOOD GROUP--FROESE; Malaria, susceptibility to; Renal tubular acidosis, distal, 4, with hemolytic anemia; Hereditary spherocytosis type 4. Last evaluated: 2021-07-30. Review status: criteria provided, single submitter. Criteria: ACMG Guidelines, 2015. Collection method: clinical testing. Allele origin: unknown.

Department of Genetic, Henri Mondor Hospital, Assistance Publique des Hôpitaux de Paris
Classification: Pathogenic for Hereditary spherocytosis type 4. Last evaluated: 2018-02-27. Review status: criteria provided, single submitter. Criteria: ACMG Guidelines, 2015. Collection method: clinical testing. Allele origin: germline. Affected: yes.

HudsonAlpha Institute for Biotechnology
Classification: Pathogenic for Hereditary spherocytosis type 4. Last evaluated: 2016-09-15. Review status: criteria provided, single submitter. Criteria: HA_assertions_20150911. Collection method: research. Allele origin: unknown. Affected: yes. Observed: 1 variant allele. Study: CSER-HudsonAlpha.

OMIM
Classification: Pathogenic for SPHEROCYTOSIS, TYPE 4, DUE TO BAND 3 COIMBRA. Last evaluated: 2000-08-15. Review status: no assertion criteria provided. Collection method: literature only. Allele origin: germline. Not counted in ClinVar's aggregate classification.

OMIM
Classification: Pathogenic for RENAL TUBULAR ACIDOSIS, DISTAL, 4, WITH HEMOLYTIC ANEMIA. Last evaluated: 2000-08-15. Review status: no assertion criteria provided. Collection method: literature only. Allele origin: germline. Not counted in ClinVar's aggregate classification.

Literature cited by the submitters: PubMed 9207478 (cited by 6 submitters); PubMed 10942416 (cited by 5 submitters); PubMed 17215882 (cited by 5 submitters); PubMed 29790872 (cited by Ambry Genetics and Mayo Clinic Laboratories, Mayo Clinic); PubMed 32436265 (cited by 4 submitters); PubMed 34093240 (cited by Ambry Genetics); PubMed 34201899 (cited by Ambry Genetics and Mayo Clinic Laboratories, Mayo Clinic); PubMed 27718309 (cited by Mayo Clinic Laboratories, Mayo Clinic); PubMed 32641076 (cited by Mayo Clinic Laboratories, Mayo Clinic); PubMed 33074480 (cited by Mayo Clinic Laboratories, Mayo Clinic).

NM_000342.3(SLC4A1):c.1462G>A (p.Val488Met)

Gene: SLC4A1 (solute carrier family 4 member 1 (Diego blood group); minus strand). Cytogenetic location: 17q21.31.
Variant type: single nucleotide variant.
Coding change: c.1462G>A on transcript NM_000342.3; coding-DNA position 1462, G replaced by A.
Protein change: p.Val488Met; replaces valine 488 with methionine.
Molecular consequence: missense variant (on NM_000342.4).
Genome position (GRCh38, 1-based): chr17:44,257,514, C>T on the plus strand (G>A on the coding strand, the complement: SLC4A1 is on the minus strand). VCF-style: chr17-44257514-C-T. GRCh37 (hg19) VCF-style: chr17-42334882-C-T.
Other names: c.1462G>A, p.Val488Met (NM_000342.4); short protein forms V488M.
Identifiers: ClinVar variation 17773 (VCV000017773.18), dbSNP rs28931584, ClinGen allele CA127399.